The following is an entry in ClinVar:

ClinVar aggregate classification (germline): Pathogenic (1 of 4 stars; one submission).

Conditions:
Usher syndrome type 1 (USH1). Also called: RETINITIS PIGMENTOSA AND CONGENITAL DEAFNESS. Identifiers: Orphanet 231169, Orphanet 886, MedGen C1568247, MONDO:0010168, OMIM 276900.

Submission:

Myriad Genetics, Inc.
Classification: Pathogenic for Usher syndrome type 1. Last evaluated: 2025-08-31. Review status: criteria provided, single submitter. Criteria: Myriad Autosomal Dominant, Autosomal Recessive and X-Linked Classification Criteria (2023). Collection method: clinical testing. Allele origin: unknown.
Comment: NM_000260.3(MYO7A):c.2779G>T(E927*) is expected to be pathogenic in the context of MYO7A-related disorders. This variant is predicted to lead to an abnormal or absent protein product due to the creation of a premature termination codon in MYO7A, a gene where loss-of-function variants are known to be pathogenic. Please note: this variant was assessed in the context of healthy population screening.

NM_000260.4(MYO7A):c.2779G>T (p.Glu927Ter)

Gene: MYO7A (myosin VIIA; plus strand). Cytogenetic location: 11q13.5.
Variant type: single nucleotide variant.
Coding change: c.2779G>T on transcript NM_000260.4 (MANE Select); coding-DNA position 2779, G replaced by T.
Protein change: p.Glu927Ter; replaces glutamic acid 927 with a stop codon.
Molecular consequence: nonsense.
Genome position (GRCh38, 1-based): chr11:77,181,464, G>T. VCF-style: chr11-77181464-G-T. GRCh37 (hg19) VCF-style: chr11-76892510-G-T.
Other names: c.2779G>T, p.Glu927Ter (NM_001127180.2); c.2746G>T, p.Glu916Ter (NM_001369365.1); short protein forms E916*, E927*.
Identifiers: ClinVar variation 5014928 (VCV005014928.1).